The following is an entry in ClinVar:

NM_031308.4(EPPK1):c.6051C>T (p.Ile2017=)

Gene: EPPK1 (epiplakin 1; minus strand). Cytogenetic location: 8q24.3.
Variant type: single nucleotide variant.
Coding change: c.6051C>T on transcript NM_031308.4 (MANE Select); coding-DNA position 6051, C replaced by T.
Protein change: p.Ile2017=; no amino-acid change (isoleucine 2017 retained).
Molecular consequence: synonymous variant.
Genome position (GRCh38, 1-based): chr8:143,867,203, G>A on the plus strand (C>T on the coding strand, the complement: EPPK1 is on the minus strand). VCF-style: chr8-143867203-G-A. GRCh37 (hg19) VCF-style: chr8-144941371-G-A.
Identifiers: ClinVar variation 2658927 (VCV002658927.24), dbSNP rs782510861, ClinGen allele CA4921945.

ClinVar aggregate classification (germline): Likely benign (1 of 4 stars; one submission).

Allele frequency attached by ClinVar (database versions not stated): ExAC 0.00007; gnomAD exomes 0.00008; TOPMed 0.00012; gnomAD 0.00015.
gnomAD v4.1: 145 of 1,612,564 alleles (0.009%); highest among the groups gnomAD compares: African/African-American, 0.035%; no homozygotes.

Submission:

CeGaT Center for Human Genetics Tuebingen
Classification: Likely benign. Last evaluated: 2023-02-01. Review status: criteria provided, single submitter. Criteria: CeGaT Center For Human Genetics Tuebingen Variant Classification Criteria Version 2. Collection method: clinical testing. Allele origin: germline. Affected: yes. Observed: 1 variant allele.
Comment: EPPK1: BP4, BP7